The following is an entry in ClinVar:

ClinVar aggregate classification (germline): Uncertain significance (1 of 4 stars; one submission).

Conditions:
Orofacial cleft 11 (OFC11). Also called: Orofacial cleft 11; ofc11; CLEFT LIP WITH OR WITHOUT CLEFT PALATE, NONSYNDROMIC, 11. Identifiers: MedGen C2677434, MONDO:0010906, OMIM 600625.
Microphthalmia with brain and digit anomalies (MCOPS6). Also called: MICROPHTHALMIA AND PITUITARY ANOMALIES; Microphthalmia, syndromic 6. Identifiers: Orphanet 139471, MedGen C1864689, MONDO:0011936, OMIM 607932.

Submission:

Labcorp Genetics (formerly Invitae), Labcorp
Classification: Uncertain significance for Microphthalmia with brain and digit anomalies; Orofacial cleft 11. Last evaluated: 2024-07-30. Review status: criteria provided, single submitter. Criteria: Invitae Variant Classification Sherloc (09022015). Collection method: clinical testing. Allele origin: germline.
Comment: This sequence change replaces serine, which is neutral and polar, with cysteine, which is neutral and slightly polar, at codon 136 of the BMP4 protein (p.Ser136Cys). This variant is not present in population databases (gnomAD no frequency). This variant has not been reported in the literature in individuals affected with BMP4-related conditions. Advanced modeling of protein sequence and biophysical properties (such as structural, functional, and spatial information, amino acid conservation, physicochemical variation, residue mobility, and thermodynamic stability) performed at Invitae indicates that this missense variant is not expected to disrupt BMP4 protein function with a negative predictive value of 80%. In summary, the available evidence is currently insufficient to determine the role of this variant in disease. Therefore, it has been classified as a Variant of Uncertain Significance.

NM_001202.6(BMP4):c.407C>G (p.Ser136Cys)

Gene: BMP4 (bone morphogenetic protein 4; minus strand). Cytogenetic location: 14q22.2.
Variant type: single nucleotide variant.
Coding change: c.407C>G on transcript NM_001202.6 (MANE Select); coding-DNA position 407, C replaced by G.
Protein change: p.Ser136Cys; replaces serine 136 with cysteine.
Molecular consequence: missense variant.
Genome position (GRCh38, 1-based): chr14:53,950,852, G>C on the plus strand (C>G on the coding strand, the complement: BMP4 is on the minus strand). VCF-style: chr14-53950852-G-C. GRCh37 (hg19) VCF-style: chr14-54417570-G-C.
Other names: c.548C>G, p.Ser183Cys (NM_001347912.1); c.218C>G, p.Ser73Cys (NM_001347913.2, NM_001347915.2, NM_001347917.1); c.407C>G, p.Ser136Cys (NM_001347914.2, NM_001347916.1, NM_130850.5 and 1 more transcripts); short protein forms S136C, S183C, S73C.
Identifiers: ClinVar variation 3753099 (VCV003753099.2).